The following is an entry in ClinVar:

NM_022489.4(INF2):c.83C>T (p.Ala28Val)

Gene: INF2 (inverted formin 2; plus strand). Cytogenetic location: 14q32.33.
Variant type: single nucleotide variant.
Coding change: c.83C>T on transcript NM_022489.4 (MANE Select); coding-DNA position 83, C replaced by T.
Protein change: p.Ala28Val; replaces alanine 28 with valine.
Molecular consequence: missense variant.
Genome position (GRCh38, 1-based): chr14:104,701,448, C>T. VCF-style: chr14-104701448-C-T. GRCh37 (hg19) VCF-style: chr14-105167785-C-T.
Other names: c.83C>T, p.Ala28Val (NM_001031714.4, NM_032714.3); short protein forms A28V.
Identifiers: ClinVar variation 2109247 (VCV002109247.4), dbSNP rs2504231029, ClinGen allele CA391224777.

ClinVar aggregate classification (germline): Uncertain significance (1 of 4 stars; one submission).

Conditions:
Charcot-Marie-Tooth disease dominant intermediate E. Also called: CHARCOT-MARIE-TOOTH NEUROPATHY WITH FOCAL SEGMENTAL GLOMERULONEPHRITIS. Identifiers: Orphanet 93114, MedGen C4302667, MONDO:0013758, OMIM 614455.
Focal segmental glomerulosclerosis 5 (FSGS5). Identifiers: Orphanet 656, MedGen C2750475, MONDO:0013191, OMIM 613237.

Submission:

Labcorp Genetics (formerly Invitae), Labcorp
Classification: Uncertain significance for Charcot-Marie-Tooth disease dominant intermediate E; Focal segmental glomerulosclerosis 5. Last evaluated: 2025-02-06. Review status: criteria provided, single submitter. Criteria: Invitae Variant Classification Sherloc (09022015). Collection method: clinical testing. Allele origin: germline.
Comment: This sequence change replaces alanine, which is neutral and non-polar, with valine, which is neutral and non-polar, at codon 28 of the INF2 protein (p.Ala28Val). This variant is not present in population databases (gnomAD no frequency). This variant has not been reported in the literature in individuals affected with INF2-related conditions. ClinVar contains an entry for this variant (Variation ID: 2109247). Invitae Evidence Modeling of protein sequence and biophysical properties (such as structural, functional, and spatial information, amino acid conservation, physicochemical variation, residue mobility, and thermodynamic stability) has been performed for this missense variant. However, the output from this modeling did not meet the statistical confidence thresholds required to predict the impact of this variant on INF2 protein function. In summary, the available evidence is currently insufficient to determine the role of this variant in disease. Therefore, it has been classified as a Variant of Uncertain Significance.